The following is an entry in ClinVar:

ClinVar aggregate classification (germline): Uncertain significance. Review status: criteria provided, multiple submitters, no conflicts (2 of 4 stars). 2 submissions from 2 submitters: Uncertain significance (2). Last evaluated 2025-12-05.

Conditions:
NRP2-related disorder. Also called: NRP2-related condition.

Allele frequency attached by ClinVar (database versions not stated): ExAC 0.00002; gnomAD 0.00003.
gnomAD v4.1: 32 of 1,613,912 alleles (0.002%); highest among the groups gnomAD compares: East Asian, 0.024%; no homozygotes.

Submissions (2):

PreventionGenetics, part of Exact Sciences
Classification: Uncertain significance for NRP2-related condition. Last evaluated: 2025-12-05. Review status: criteria provided, single submitter. Criteria: ACMG Guidelines, 2015. Collection method: clinical testing. Allele origin: germline.
Comment: The NRP2 c.41A>T variant is predicted to result in the amino acid substitution p.Tyr14Phe. To our knowledge, this variant has not been reported in the literature. This variant is reported in 0.022% of alleles in individuals of East Asian descent in gnomAD. At this time, the clinical significance of this variant is uncertain due to the absence of conclusive functional and genetic evidence.

Ambry Genetics
Classification: Uncertain significance. Last evaluated: 2025-04-06. Review status: criteria provided, single submitter. Criteria: Ambry Variant Classification Scheme 2023. Collection method: clinical testing. Allele origin: germline.

NM_003872.3(NRP2):c.41A>T (p.Tyr14Phe)

Gene: NRP2 (neuropilin 2; plus strand). Cytogenetic location: 2q33.3.
Variant type: single nucleotide variant.
Coding change: c.41A>T on transcript NM_003872.3 (MANE Select); coding-DNA position 41, A replaced by T.
Protein change: p.Tyr14Phe; replaces tyrosine 14 with phenylalanine.
Molecular consequence: missense variant.
Genome position (GRCh38, 1-based): chr2:205,683,331, A>T. VCF-style: chr2-205683331-A-T. GRCh37 (hg19) VCF-style: chr2-206548055-A-T.
Other names: c.41A>T, p.Tyr14Phe (NM_018534.4, NM_201264.2, NM_201266.2 and 2 more transcripts); short protein forms Y14F.
Identifiers: ClinVar variation 2469953 (VCV002469953.4), dbSNP rs373490681, ClinGen allele CA2068665.
Genomic context (GRCh38, chr2:205,683,331, plus strand): 5'-AAAGAGCCACCTTCTCCAAAATGGATATGTTTCCTCTCACCTGGGTTTTCTTAGCCCTCT[A>T]CTTTTCAAGACACCAAGTGAGAGGCCAACCAGGTAAGCCACTGAAAGTTTTTCTATTTAT-3'
Protein context (NP_003863.2, residues 4-24): FPLTWVFLAL[Tyr14Phe]FSRHQVRGQP